The following is an entry in ClinVar:

ClinVar aggregate classification (germline): Uncertain significance (1 of 4 stars; one submission).

Conditions:
Arrhythmogenic right ventricular dysplasia 5. Also called: Arrhythmogenic Right Ventricular Dysplasia/Cardiomyopathy 5; ARRHYTHMOGENIC RIGHT VENTRICULAR DYSPLASIA, FAMILIAL, 5. Identifiers: MedGen C1858379, MONDO:0011459, OMIM 604400.

Submission:

Labcorp Genetics (formerly Invitae), Labcorp
Classification: Uncertain significance for Arrhythmogenic right ventricular dysplasia 5. Last evaluated: 2025-12-09. Review status: criteria provided, single submitter. Criteria: Invitae Variant Classification Sherloc (09022015). Collection method: clinical testing. Allele origin: germline.
Comment: This variant, c.140_142del, results in the deletion of 1 amino acid(s) of the TMEM43 protein (p.Phe47del), but otherwise preserves the integrity of the reading frame. This variant is present in population databases (rs756597745, gnomAD 0.0009%). This variant has not been reported in the literature in individuals affected with TMEM43-related conditions. ClinVar contains an entry for this variant (Variation ID: 1906429). Experimental studies and prediction algorithms are not available or were not evaluated, and the functional significance of this variant is currently unknown. In summary, the available evidence is currently insufficient to determine the role of this variant in disease. Therefore, it has been classified as a Variant of Uncertain Significance.

NM_024334.3(TMEM43):c.140_142del (p.Phe47del)

Gene: TMEM43 (transmembrane protein 43; plus strand). Cytogenetic location: 3p25.1.
Variant type: Deletion.
Coding change: c.140_142del on transcript NM_024334.3 (MANE Select); coding-DNA positions 140 to 142, 3 bases deleted (TCT; older notation c.140_142delTCT).
Protein change: p.Phe47del; deletes phenylalanine 47.
Molecular consequence: inframe deletion. On other transcripts: inframe indel (6).
Genome position (GRCh38, 1-based): chr3:14,129,539-14,129,541, TCT deleted; deleting any 3 consecutive bases within chr3:14,129,537-14,129,541 gives the same sequence; the c. name uses the placement nearest the transcript's 3' end. VCF-style (leftmost placement, unchanged base first): chr3-14129536-CCTT-C. GRCh37 (hg19) VCF-style: chr3-14171036-CCTT-C.
Other names: c.140_142delTCT, p.Phe47del (NM_001407274.1, NM_001407275.1, NM_001407276.1 and 3 more transcripts); short protein forms F47del.
Identifiers: ClinVar variation 1906429 (VCV001906429.5), dbSNP rs756597745, ClinGen allele CA051865.
Genomic context (GRCh38, chr3:14,129,536, plus strand): 5'-TGGAACGGCTGAGCGAGACCTCGGGTGGGATGTTTGTGGGGCTCATGGCCTTCCTGCTCT[CCTT>C]CTACCTAATTTTCACCAATGAGGTAAAATGTCTGGGGTCTTCCTGTGCAGAGTGAGAGTC-3'